The following is an entry in ClinVar:

NM_001365915.1(SKOR1):c.1533G>A (p.Lys511=)

Gene: SKOR1 (SKI family transcriptional corepressor 1; plus strand). Cytogenetic location: 15q23.
Variant type: single nucleotide variant.
Coding change: c.1533G>A on transcript NM_001365915.1 (MANE Select); coding-DNA position 1533, G replaced by A.
Protein change: p.Lys511=; no amino-acid change (lysine 511 retained).
Molecular consequence: synonymous variant.
Genome position (GRCh38, 1-based): chr15:67,827,361, G>A. VCF-style: chr15-67827361-G-A. GRCh37 (hg19) VCF-style: chr15-68119699-G-A.
Identifiers: ClinVar variation 2645484 (VCV002645484.24), dbSNP rs551125810, ClinGen allele CA7629299.

ClinVar aggregate classification (germline): Likely benign (1 of 4 stars; one submission).

Allele frequency attached by ClinVar (database versions not stated): 1000 Genomes Project 0.00040; gnomAD exomes 0.00045; gnomAD 0.00052; ExAC 0.00057; TOPMed 0.00066; 1000 Genomes Project 30x 0.00094.
gnomAD v4.1: 751 of 1,574,494 alleles (0.048%); highest among the groups gnomAD compares: Middle Eastern, 1.3%; 1 homozygote.

Submission:

CeGaT Center for Human Genetics Tuebingen
Classification: Likely benign. Last evaluated: 2022-11-01. Review status: criteria provided, single submitter. Criteria: CeGaT Center For Human Genetics Tuebingen Variant Classification Criteria Version 2. Collection method: clinical testing. Allele origin: germline. Affected: yes. Observed: 1 variant allele.
Comment: SKOR1: BP4, BP7